The following is an entry in ClinVar:

NM_032620.4(GTPBP3):c.664+23_664+26del

Gene: GTPBP3 (GTP binding protein 3, mitochondrial; plus strand). Cytogenetic location: 19p13.11.
Variant type: Deletion.
Coding change: c.664+23_664+26del on transcript NM_032620.4 (MANE Select); bases 23 to 26 of the intron after coding-DNA position 664, 4 bases deleted (GAGG; older notation c.664+23_664+26delGAGG).
Molecular consequence: intron variant. On other transcripts: frameshift variant (1).
Genome position (GRCh38, 1-based): chr19:17,339,049-17,339,052, GAGG deleted; deleting any 4 consecutive bases within chr19:17,339,047-17,339,052 gives the same sequence; the c. name uses the placement nearest the transcript's 3' end. VCF-style (leftmost placement, unchanged base first): chr19-17339046-GGGGA-G. GRCh37 (hg19) VCF-style: chr19-17449855-GGGGA-G.
Other names: p.Lys231Hisfs*53; c.687_690delGAGG (NM_133644.3); c.687_690del, p.Lys231fs (NM_133644.4); c.730+23_730+26del (NM_001195422.1); c.664+23_664+26del (NM_001128855.3); short protein forms K231fs.
Identifiers: ClinVar variation 1323041 (VCV001323041.8), dbSNP rs765975578, ClinGen allele CA9293440.

ClinVar aggregate classification (germline): Pathogenic/Likely pathogenic. Review status: criteria provided, multiple submitters, no conflicts (2 of 4 stars). 4 submissions from 4 submitters: Pathogenic (2); Likely pathogenic (1). 1 of the submissions does not count toward it. Last evaluated 2024-02-13.

Conditions:
GTPBP3-related disorder. Also called: GTPBP3-related condition.
Combined oxidative phosphorylation defect type 23. Also called: Combined oxidative phosphorylation deficiency 23. Identifiers: Orphanet 444013, MedGen C5567743, MONDO:0014525, OMIM 616198.

Submissions (4):

Mayo Clinic Laboratories, Mayo Clinic
Classification: Likely pathogenic. Last evaluated: 2024-02-13. Review status: criteria provided, single submitter. Criteria: ACMG Guidelines, 2015. Collection method: clinical testing. Allele origin: germline. Observed: 1 variant allele.
Comment: PM2, PVS1

Labcorp Genetics (formerly Invitae), Labcorp
Classification: Pathogenic. Last evaluated: 2022-02-02. Review status: criteria provided, single submitter. Criteria: Invitae Variant Classification Sherloc (09022015). Collection method: clinical testing. Allele origin: germline.
Comment: This sequence change creates a premature translational stop signal (p.Lys231Hisfs*53) in the GTPBP3 gene. It is expected to result in an absent or disrupted protein product. Loss-of-function variants in GTPBP3 are known to be pathogenic (PMID: 25434004). This variant is present in population databases (rs765975578, gnomAD 0.02%). This variant has not been reported in the literature in individuals affected with GTPBP3-related conditions. ClinVar contains an entry for this variant (Variation ID: 1323041). For these reasons, this variant has been classified as Pathogenic.

Revvity Omics, Revvity
Classification: Pathogenic for Combined oxidative phosphorylation defect type 23. Last evaluated: 2019-08-26. Review status: criteria provided, single submitter. Criteria: ACMG Guidelines, 2015. Collection method: clinical testing. Allele origin: germline.

PreventionGenetics, part of Exact Sciences
Classification: Likely pathogenic for GTPBP3-related condition. Last evaluated: 2024-04-13. Review status: no assertion criteria provided. Collection method: clinical testing. Allele origin: germline. Not counted in ClinVar's aggregate classification.
Comment: The GTPBP3 c.687_690delGAGG variant is predicted to result in a frameshift and premature protein termination (p.Lys231Hisfs*53). To our knowledge, this variant has not been reported in the literature. This variant is reported in 0.020% of alleles in individuals of South Asian descent in gnomAD. Frameshift variants in GTPBP3 are expected to be pathogenic. This variant is interpreted as likely pathogenic.

Literature cited by the submitters: PubMed 25434004 (cited by Labcorp Genetics (formerly Invitae), Labcorp).